The following is an entry in ClinVar:

ClinVar aggregate classification (germline): Uncertain significance (1 of 4 stars; one submission).

Submission:

GeneDx
Classification: Uncertain significance. Last evaluated: 2022-12-05. Review status: criteria provided, single submitter. Criteria: GeneDx Variant Classification Process June 2021. Collection method: clinical testing. Allele origin: germline. Affected: yes.
Comment: Not observed at significant frequency in large population cohorts (gnomAD); In silico analysis supports that this missense variant has a deleterious effect on protein structure/function; Has not been previously published as pathogenic or benign to our knowledge

NM_015559.3(SETBP1):c.3115A>T (p.Ser1039Cys)

Gene: SETBP1 (SET binding protein 1; plus strand). Cytogenetic location: 18q12.3.
Variant type: single nucleotide variant.
Coding change: c.3115A>T on transcript NM_015559.3 (MANE Select); coding-DNA position 3115, A replaced by T.
Protein change: p.Ser1039Cys; replaces serine 1039 with cysteine.
Molecular consequence: missense variant.
Genome position (GRCh38, 1-based): chr18:44,952,455, A>T. VCF-style: chr18-44952455-A-T. GRCh37 (hg19) VCF-style: chr18-42532420-A-T.
Other names: c.3115A>T, p.Ser1039Cys (NM_001379141.1, NM_001379142.1, NM_001410862.1); short protein forms S1039C.
Identifiers: ClinVar variation 2504425 (VCV002504425.1), dbSNP rs2511474641, ClinGen allele CA402323521.
Genomic context (GRCh38, chr18:44,952,455, plus strand): 5'-CGTGGTAGGCCTGCAAAAACCAATGACACCATGACAAAGGTGCCTTTTTTACAAGGGTTC[A>T]GCTACCCTATTCCCAGTGGAAGTTACTATGCACCCTATGGAATGCCTTACACATCAATGC-3'
Protein context (NP_056374.2, residues 1029-1049): MTKVPFLQGF[Ser1039Cys]YPIPSGSYYA